The following is an entry in ClinVar:

ClinVar aggregate classification (germline): Uncertain significance (1 of 4 stars; one submission).

Submission:

GeneDx
Classification: Uncertain significance. Last evaluated: 2025-06-11. Review status: criteria provided, single submitter. Criteria: GeneDx Variant Classification Process June 2021. Collection method: clinical testing. Allele origin: germline. Affected: yes.
Comment: Not observed at significant frequency in large population cohorts (gnomAD); In silico analysis supports that this missense variant has a deleterious effect on protein structure/function; Has not been previously published as pathogenic or benign to our knowledge

NM_170606.3(KMT2C):c.12367T>C (p.Ser4123Pro)

Gene: KMT2C (lysine methyltransferase 2C; minus strand). Cytogenetic location: 7q36.1.
Variant type: single nucleotide variant.
Coding change: c.12367T>C on transcript NM_170606.3 (MANE Select); coding-DNA position 12367, T replaced by C.
Protein change: p.Ser4123Pro; replaces serine 4123 with proline.
Molecular consequence: missense variant.
Genome position (GRCh38, 1-based): chr7:152,152,864, A>G on the plus strand (T>C on the coding strand, the complement: KMT2C is on the minus strand). VCF-style: chr7-152152864-A-G. GRCh37 (hg19) VCF-style: chr7-151849949-A-G.
Other names: short protein forms S4123P.
Identifiers: ClinVar variation 4538156 (VCV004538156.1).
Genomic context (GRCh38, chr7:152,152,864, plus strand): 5'-GTAAATGCTGTCGATACTCCAAACCCGGGTTGATTCTGTGGCTACTGACCAAACCCATGG[A>G]TGGGACATCTGGAGCACTGCTAACCTCATAGCTGTTAGGGATTCGGACGTGAAGAAGGTC-3'
Protein context (NP_733751.2, residues 4113-4133): YEVSSAPDVP[Ser4123Pro]MGLVSSHRIN